The following is an entry in ClinVar:

ClinVar aggregate classification (germline): Pathogenic (1 of 4 stars; one submission).

Conditions:
Developmental and epileptic encephalopathy 94 (DEE94). Also called: Epileptic encephalopathy, childhood-onset; CHD2-Related Neurodevelopmental Disorders. Identifiers: Orphanet 1942, Orphanet 2382, MedGen C3809278, MONDO:0014150, OMIM 615369.

Submission:

Labcorp Genetics (formerly Invitae), Labcorp
Classification: Pathogenic for Developmental and epileptic encephalopathy 94. Last evaluated: 2023-09-29. Review status: criteria provided, single submitter. Criteria: Invitae Variant Classification Sherloc (09022015). Collection method: clinical testing. Allele origin: germline.
Comment: This sequence change creates a premature translational stop signal (p.Asp635Serfs*8) in the CHD2 gene. It is expected to result in an absent or disrupted protein product. Loss-of-function variants in CHD2 are known to be pathogenic (PMID: 23708187, 24207121). This variant is not present in population databases (gnomAD no frequency). This premature translational stop signal has been observed in individual(s) with CHD2-related conditions (PMID: 34247411). In at least one individual the variant was observed to be de novo. For these reasons, this variant has been classified as Pathogenic.

Literature cited by the submitters: PubMed 23708187; PubMed 24207121; PubMed 34247411.

NM_001271.4(CHD2):c.1903_1906del (p.Asp635fs)

Gene: CHD2 (chromodomain helicase DNA binding protein 2; plus strand). Cytogenetic location: 15q26.1.
Variant type: Microsatellite.
Coding change: c.1903_1906del on transcript NM_001271.4 (MANE Select); coding-DNA positions 1903 to 1906, 4 bases deleted (GATT; older notation c.1903_1906delGATT).
Protein change: p.Asp635fs; shifts the reading frame from aspartic acid 635.
Molecular consequence: frameshift variant.
Genome position (GRCh38, 1-based): chr15:92,956,552-92,956,555, GATT deleted; deleting any 4 consecutive bases within chr15:92,956,547-92,956,555 gives the same sequence; the c. name uses the placement nearest the transcript's 3' end. VCF-style (leftmost placement, unchanged base first): chr15-92956546-CTGAT-C. GRCh37 (hg19) VCF-style: chr15-93499776-CTGAT-C.
Other names: short protein forms D635fs.
Identifiers: ClinVar variation 2749249 (VCV002749249.3), dbSNP rs2505488412, ClinGen allele CA2695221277.
Genomic context (GRCh38, chr15:92,956,546, plus strand): 5'-TTTCTGGGAGTGGATGAAGCCCATCGGTTGAAGAATGATGACTCTTTATTGTATAAAACT[CTGAT>C]TGATTTCAAGTCCAACCATAGGCTCCTGATTACGGGGACCCCTCTTCAGAATTCCCTCAA-3'